The following is an entry in ClinVar:

NM_002206.3(ITGA7):c.1641C>A (p.Ser547Arg)

Gene: ITGA7 (integrin subunit alpha 7; minus strand). Cytogenetic location: 12q13.2.
Variant type: single nucleotide variant.
Coding change: c.1641C>A on transcript NM_002206.3 (MANE Select); coding-DNA position 1641, C replaced by A.
Protein change: p.Ser547Arg; replaces serine 547 with arginine.
Molecular consequence: missense variant.
Genome position (GRCh38, 1-based): chr12:55,696,995, G>T on the plus strand (C>A on the coding strand, the complement: ITGA7 is on the minus strand). VCF-style: chr12-55696995-G-T. GRCh37 (hg19) VCF-style: chr12-56090779-G-T.
Other names: c.1653C>A, p.Ser551Arg (NM_001144996.2); c.1362C>A, p.Ser454Arg (NM_001144997.2); c.1314C>A, p.Ser438Arg (NM_001367993.1); c.297C>A, p.Ser99Arg (NM_001367994.1); c.1623C>A, p.Ser541Arg (NM_001374465.1); c.1773C>A, p.Ser591Arg (NM_001410977.1); c.1635C>A, p.Ser545Arg (NM_001414029.1); c.1566C>A, p.Ser522Arg (NM_001414030.1); and 5 more; short protein forms S547R, S454R, S551R, S438R, S99R, S541R, S591R, S518R.
Identifiers: ClinVar variation 470568 (VCV000470568.8), dbSNP rs1369191520, ClinGen allele CA385188356.

ClinVar aggregate classification (germline): Uncertain significance (1 of 4 stars; one submission).

Conditions:
Congenital muscular dystrophy due to integrin alpha-7 deficiency. Also called: Congenital muscular dystrophy with integrin alpha-7 deficiency; Muscular dystrophy, congenital, due to ITGA7 deficiency; MYOPATHY, CONGENITAL, DUE TO INTEGRIN ALPHA-7 DEFICIENCY. Identifiers: Orphanet 34520, MedGen C2750786, MONDO:0013177, OMIM 613204.

Allele frequency attached by ClinVar (database versions not stated): gnomAD exomes below 0.00001; TOPMed below 0.00001.
gnomAD v4.1: 1 of 1,614,158 alleles (0.000062%); highest among the groups gnomAD compares: Admixed American, 0.0017%; no homozygotes.

Submission:

Labcorp Genetics (formerly Invitae), Labcorp
Classification: Uncertain significance for Congenital muscular dystrophy due to integrin alpha-7 deficiency. Last evaluated: 2022-08-16. Review status: criteria provided, single submitter. Criteria: Invitae Variant Classification Sherloc (09022015). Collection method: clinical testing. Allele origin: germline.
Comment: This sequence change replaces serine, which is neutral and polar, with arginine, which is basic and polar, at codon 547 of the ITGA7 protein (p.Ser547Arg). This variant is present in population databases (no rsID available, gnomAD 0.003%). This variant has not been reported in the literature in individuals affected with ITGA7-related conditions. ClinVar contains an entry for this variant (Variation ID: 470568). Algorithms developed to predict the effect of missense changes on protein structure and function (SIFT, PolyPhen-2, Align-GVGD) all suggest that this variant is likely to be tolerated. In summary, the available evidence is currently insufficient to determine the role of this variant in disease. Therefore, it has been classified as a Variant of Uncertain Significance.